The following is an entry in ClinVar:

ClinVar aggregate classification (germline): Likely pathogenic (1 of 4 stars; one submission).

Conditions:
Dilated cardiomyopathy 1G (CMD1G). Identifiers: Orphanet 154, MedGen C1858763, MONDO:0011400, OMIM 604145.
Autosomal recessive limb-girdle muscular dystrophy type 2J (LGMDR10). Also called: Limb-girdle muscular dystrophy, type 2J; MUSCULAR DYSTROPHY, LIMB-GIRDLE, AUTOSOMAL RECESSIVE 10. Identifiers: Orphanet 140922, MedGen C1837342, MONDO:0012127, OMIM 608807.

Submission:

Labcorp Genetics (formerly Invitae), Labcorp
Classification: Likely pathogenic for Dilated cardiomyopathy 1G; Autosomal recessive limb-girdle muscular dystrophy type 2J. Last evaluated: 2024-10-18. Review status: criteria provided, single submitter. Criteria: Invitae Variant Classification Sherloc (09022015). Collection method: clinical testing. Allele origin: germline.
Comment: This sequence change creates a premature translational stop signal (p.Ile11097Phefs*6) in the TTN gene. While this is not anticipated to result in nonsense mediated decay, it is expected to create a truncated TTN protein. This variant is not present in population databases (gnomAD no frequency). This variant has not been reported in the literature in individuals affected with TTN-related conditions. Algorithms developed to predict the effect of sequence changes on RNA splicing suggest that this variant may disrupt the consensus splice site. This variant is located in the I band of TTN (PMID: 25589632). Truncating variants in this region have been reported in individuals affected with autosomal recessive centronuclear myopathy (PMID: 23975875, internal data). Truncating variants in this region have also been identified in individuals affected with autosomal dominant dilated cardiomyopathy and/or cardio-related conditions (PMID: 27869827, 32964742, internal data). In summary, the currently available evidence indicates that the variant is pathogenic, but additional data are needed to prove that conclusively. Therefore, this variant has been classified as Likely Pathogenic.

Literature cited by the submitters: PubMed 25589632; PubMed 23975875; PubMed 27869827; PubMed 32964742.

NM_001267550.2(TTN):c.33289_33290del (p.Ile11097fs)

Gene: TTN (titin; minus strand). Cytogenetic location: 2q31.2.
Variant type: Deletion.
Coding change: c.33289_33290del on transcript NM_001267550.2 (MANE Select); coding-DNA positions 33289 to 33290, 2 bases deleted (AT; older notation c.33289_33290delAT).
Protein change: p.Ile11097fs; shifts the reading frame from isoleucine 11097.
Molecular consequence: frameshift variant. On other transcripts: intron variant (3).
Genome position (GRCh38, 1-based): chr2:178,681,129-178,681,130, AT deleted on the plus strand (AT on the coding strand, the reverse complement: TTN is on the minus strand); deleting any 2 consecutive bases within chr2:178,681,129-178,681,131 gives the same sequence; the c. name uses the placement nearest the transcript's 3' end. VCF-style (leftmost placement, unchanged base first): chr2-178681128-AAT-A. GRCh37 (hg19) VCF-style: chr2-179545855-AAT-A.
Other names: c.32338_32339del, p.Ile10780fs (NM_001256850.1); c.29557_29558del, p.Ile9853fs (NM_133378.4); c.13283-38813_13283-38812del (NM_003319.4); c.13859-38813_13859-38812del (NM_133437.4); c.13658-38813_13658-38812del (NM_133432.3); short protein forms I10780fs, I11097fs, I9853fs.
Identifiers: ClinVar variation 2947904 (VCV002947904.3), dbSNP rs2473985927, ClinGen allele CA2740096216.
Genomic context (GRCh38, chr2:178,681,128, plus strand): 5'-AATCATTATACCTTTAGCAGCGGGTTCAGTCACCTGCTCTTTTTCACGTTTGGTAATTGA[AAT>A]ACGTATTTTTTCCTCAAAAACTTTCTTTGGTTCTTCAGGCACTTTAAAGATATTAATTAT-3'